The following is an entry in ClinVar:

NM_031220.4(PITPNM3):c.17G>C (p.Arg6Pro)

Gene: PITPNM3 (PITPNM family member 3; minus strand). Cytogenetic location: 17p13.1.
Variant type: single nucleotide variant.
Coding change: c.17G>C on transcript NM_031220.4 (MANE Select); coding-DNA position 17, G replaced by C.
Protein change: p.Arg6Pro; replaces arginine 6 with proline.
Molecular consequence: missense variant.
Genome position (GRCh38, 1-based): chr17:6,556,390, C>G on the plus strand (G>C on the coding strand, the complement: PITPNM3 is on the minus strand). VCF-style: chr17-6556390-C-G. GRCh37 (hg19) VCF-style: chr17-6459710-C-G.
Other names: c.17G>C, p.Arg6Pro (NM_001165966.2); short protein forms R6P.
Identifiers: ClinVar variation 3610632 (VCV003610632.3).

ClinVar aggregate classification (germline): Conflicting classifications of pathogenicity. Review status: criteria provided, conflicting classifications (1 of 4 stars). 2 submissions from 2 submitters: Uncertain significance (1); Likely benign (1). Last evaluated 2024-02-21.

gnomAD v4.1: 14 of 1,380,394 alleles (0.001%); highest among the groups gnomAD compares: Middle Eastern, 0.027%; no homozygotes.

Submissions (2):

Labcorp Genetics (formerly Invitae), Labcorp
Classification: Uncertain significance. Last evaluated: 2024-02-21. Review status: criteria provided, single submitter. Criteria: Invitae Variant Classification Sherloc (09022015). Collection method: clinical testing. Allele origin: germline.
Comment: This sequence change replaces arginine, which is basic and polar, with proline, which is neutral and non-polar, at codon 6 of the PITPNM3 protein (p.Arg6Pro). This variant is not present in population databases (gnomAD no frequency). This variant has not been reported in the literature in individuals affected with PITPNM3-related conditions. Experimental studies and prediction algorithms are not available or were not evaluated, and the functional significance of this variant is currently unknown. In summary, the available evidence is currently insufficient to determine the role of this variant in disease. Therefore, it has been classified as a Variant of Uncertain Significance.

Blueprint Genetics
Classification: Likely benign. Last evaluated: 2023-03-17. Review status: criteria provided, single submitter. Criteria: ACMG Guidelines, 2015. Collection method: clinical testing. Allele origin: germline.